The following is an entry in ClinVar:

ClinVar aggregate classification (germline): Uncertain significance. Review status: criteria provided, multiple submitters, no conflicts (2 of 4 stars). 2 submissions from 2 submitters: Uncertain significance (2). Last evaluated 2025-08-14.

Conditions:
Inborn genetic diseases. Identifiers: MedGen C0950123, MeSH D030342.
Developmental and epileptic encephalopathy. Identifiers: MedGen C5779964, MONDO:0100620.

Allele frequency attached by ClinVar (database versions not stated): 1000 Genomes Project 30x 0.00031; 1000 Genomes Project 0.00040; TOPMed 0.00002; ExAC 0.00005; gnomAD exomes 0.00005.
gnomAD v4.1: 15 of 1,546,072 alleles (0.00097%); highest among the groups gnomAD compares: East Asian, 0.022%; no homozygotes.

Submissions (2):

Ambry Genetics
Classification: Uncertain significance for Inborn genetic diseases. Last evaluated: 2025-08-14. Review status: criteria provided, single submitter. Criteria: Ambry Variant Classification Scheme 2023. Collection method: clinical testing. Allele origin: germline.

Labcorp Genetics (formerly Invitae), Labcorp
Classification: Uncertain significance for Early-infantile DEE. Last evaluated: 2024-02-26. Review status: criteria provided, single submitter. Criteria: Invitae Variant Classification Sherloc (09022015). Collection method: clinical testing. Allele origin: germline.
Comment: This sequence change replaces alanine, which is neutral and non-polar, with threonine, which is neutral and polar, at codon 139 of the SLC25A22 protein (p.Ala139Thr). This variant is present in population databases (rs544386351, gnomAD 0.03%). This variant has not been reported in the literature in individuals affected with SLC25A22-related conditions. ClinVar contains an entry for this variant (Variation ID: 1009143). An algorithm developed to predict the effect of missense changes on protein structure and function (PolyPhen-2) suggests that this variant¬†is likely to be tolerated. In summary, the available evidence is currently insufficient to determine the role of this variant in disease. Therefore, it has been classified as a Variant of Uncertain Significance.

NM_001191061.2(SLC25A22):c.415G>A (p.Ala139Thr)

Gene: SLC25A22 (solute carrier family 25 member 22; minus strand). Cytogenetic location: 11p15.5.
Variant type: single nucleotide variant.
Coding change: c.415G>A on transcript NM_001191061.2 (MANE Select); coding-DNA position 415, G replaced by A.
Protein change: p.Ala139Thr; replaces alanine 139 with threonine.
Molecular consequence: missense variant.
Genome position (GRCh38, 1-based): chr11:792,725, C>T on the plus strand (G>A on the coding strand, the complement: SLC25A22 is on the minus strand). VCF-style: chr11-792725-C-T. GRCh37 (hg19) VCF-style: chr11-792725-C-T.
Other names: c.415G>A, p.Ala139Thr (NM_001191060.2, NM_024698.6); c.415G>A (NM_024698.5); short protein forms A139T.
Identifiers: ClinVar variation 1009143 (VCV001009143.9), dbSNP rs544386351, ClinGen allele CA5789180.